The following is an entry in ClinVar:

NM_002234.4(KCNA5):c.570C>G (p.Asn190Lys)

Gene: KCNA5 (potassium voltage-gated channel subfamily A member 5; plus strand). Cytogenetic location: 12p13.32.
Variant type: single nucleotide variant.
Coding change: c.570C>G on transcript NM_002234.4 (MANE Select); coding-DNA position 570, C replaced by G.
Protein change: p.Asn190Lys; replaces asparagine 190 with lysine.
Molecular consequence: missense variant.
Genome position (GRCh38, 1-based): chr12:5,044,717, C>G. VCF-style: chr12-5044717-C-G. GRCh37 (hg19) VCF-style: chr12-5153883-C-G.
Other names: short protein forms N190K.
Identifiers: ClinVar variation 844475 (VCV000844475.9), dbSNP rs12720444, ClinGen allele CA231867447.

ClinVar aggregate classification (germline): Uncertain significance (1 of 4 stars; one submission).

Conditions:
Atrial fibrillation, familial, 7 (ATFB7). Identifiers: MedGen C2677106, MONDO:0012828, OMIM 612240.

Allele frequency attached by ClinVar (database versions not stated): TOPMed 0.00002.

Submission:

Labcorp Genetics (formerly Invitae), Labcorp
Classification: Uncertain significance for Atrial fibrillation, familial, 7. Last evaluated: 2024-05-29. Review status: criteria provided, single submitter. Criteria: Invitae Variant Classification Sherloc (09022015). Collection method: clinical testing. Allele origin: germline.
Comment: This sequence change replaces asparagine, which is neutral and polar, with lysine, which is basic and polar, at codon 190 of the KCNA5 protein (p.Asn190Lys). This variant is not present in population databases (gnomAD no frequency). This variant has not been reported in the literature in individuals affected with KCNA5-related conditions. ClinVar contains an entry for this variant (Variation ID: 844475). Advanced modeling of protein sequence and biophysical properties (such as structural, functional, and spatial information, amino acid conservation, physicochemical variation, residue mobility, and thermodynamic stability) performed at Invitae indicates that this missense variant is not expected to disrupt KCNA5 protein function with a negative predictive value of 80%. In summary, the available evidence is currently insufficient to determine the role of this variant in disease. Therefore, it has been classified as a Variant of Uncertain Significance.